The following is an entry in ClinVar:

NM_001271.4(CHD2):c.4646A>G (p.His1549Arg)

Gene: CHD2 (chromodomain helicase DNA binding protein 2; plus strand). Cytogenetic location: 15q26.1.
Variant type: single nucleotide variant.
Coding change: c.4646A>G on transcript NM_001271.4 (MANE Select); coding-DNA position 4646, A replaced by G.
Protein change: p.His1549Arg; replaces histidine 1549 with arginine.
Molecular consequence: missense variant.
Genome position (GRCh38, 1-based): chr15:93,012,398, A>G. VCF-style: chr15-93012398-A-G. GRCh37 (hg19) VCF-style: chr15-93555628-A-G.
Other names: c.4646A>G (NM_001271.3); short protein forms H1549R.
Identifiers: ClinVar variation 1034903 (VCV001034903.9), dbSNP rs1428758251, ClinGen allele CA393905192.

ClinVar aggregate classification (germline): Uncertain significance. Review status: criteria provided, multiple submitters, no conflicts (2 of 4 stars). 2 submissions from 2 submitters: Uncertain significance (2). Last evaluated 2023-11-08.

Conditions:
Developmental and epileptic encephalopathy 94 (DEE94). Also called: Epileptic encephalopathy, childhood-onset; CHD2-Related Neurodevelopmental Disorders. Identifiers: Orphanet 1942, Orphanet 2382, MedGen C3809278, MONDO:0014150, OMIM 615369.

gnomAD v4.1: 1 of 1,608,426 alleles (0.000062%); no homozygotes.

Submissions (2):

Labcorp Genetics (formerly Invitae), Labcorp
Classification: Uncertain significance for Developmental and epileptic encephalopathy 94. Last evaluated: 2023-11-08. Review status: criteria provided, single submitter. Criteria: Invitae Variant Classification Sherloc (09022015). Collection method: clinical testing. Allele origin: germline.
Comment: This sequence change replaces histidine, which is basic and polar, with arginine, which is basic and polar, at codon 1549 of the CHD2 protein (p.His1549Arg). The frequency data for this variant in the population databases is considered unreliable, as metrics indicate poor data quality at this position in the gnomAD database. This variant has not been reported in the literature in individuals affected with CHD2-related conditions. ClinVar contains an entry for this variant (Variation ID: 1034903). Advanced modeling of protein sequence and biophysical properties (such as structural, functional, and spatial information, amino acid conservation, physicochemical variation, residue mobility, and thermodynamic stability) performed at Invitae indicates that this missense variant is not expected to disrupt CHD2 protein function with a negative predictive value of 95%. In summary, the available evidence is currently insufficient to determine the role of this variant in disease. Therefore, it has been classified as a Variant of Uncertain Significance.

GeneDx
Classification: Uncertain significance. Last evaluated: 2022-09-20. Review status: criteria provided, single submitter. Criteria: GeneDx Variant Classification Process June 2021. Collection method: clinical testing. Allele origin: germline. Affected: yes.
Comment: In silico analysis supports that this missense variant has a deleterious effect on protein structure/function; Has not been previously published as pathogenic or benign to our knowledge